The following is an entry in ClinVar:

NM_015909.4(NBAS):c.1956G>C (p.Lys652Asn)

Gene: NBAS (NBAS subunit of NRZ tethering complex; minus strand). Cytogenetic location: 2p24.3.
Variant type: single nucleotide variant.
Coding change: c.1956G>C on transcript NM_015909.4 (MANE Select); coding-DNA position 1956, G replaced by C.
Protein change: p.Lys652Asn; replaces lysine 652 with asparagine.
Molecular consequence: missense variant. On other transcripts: non-coding transcript variant (1).
Genome position (GRCh38, 1-based): chr2:15,467,726, C>G on the plus strand (G>C on the coding strand, the complement: NBAS is on the minus strand). VCF-style: chr2-15467726-C-G. GRCh37 (hg19) VCF-style: chr2-15607850-C-G.
Other names: short protein forms K652N.
Identifiers: ClinVar variation 1715986 (VCV001715986.3), dbSNP rs2528106750, ClinGen allele CA345882924.

ClinVar aggregate classification (germline): Uncertain significance (1 of 4 stars; one submission).

Submission:

Labcorp Genetics (formerly Invitae), Labcorp
Classification: Uncertain significance. Last evaluated: 2022-08-09. Review status: criteria provided, single submitter. Criteria: Invitae Variant Classification Sherloc (09022015). Collection method: clinical testing. Allele origin: germline.
Comment: In summary, the available evidence is currently insufficient to determine the role of this variant in disease. Therefore, it has been classified as a Variant of Uncertain Significance. Algorithms developed to predict the effect of missense changes on protein structure and function are either unavailable or do not agree on the potential impact of this missense change (SIFT: "Deleterious"; PolyPhen-2: "Benign"; Align-GVGD: "Class C65"). This variant has not been reported in the literature in individuals affected with NBAS-related conditions. This variant is not present in population databases (gnomAD no frequency). This sequence change replaces lysine, which is basic and polar, with asparagine, which is neutral and polar, at codon 652 of the NBAS protein (p.Lys652Asn).